The following is an entry in ClinVar:

NC_000006.11:g.(?_64574069)_(65016985_?)dup

Gene: EYS (eyes shut homolog; minus strand). Cytogenetic location: 6q12.
Variant type: Duplication.
Identifiers: ClinVar variation 1516019 (VCV001516019.4).

ClinVar aggregate classification (germline): Likely pathogenic (1 of 4 stars; one submission).

Submission:

Labcorp Genetics (formerly Invitae), Labcorp
Classification: Likely pathogenic. Last evaluated: 2021-01-19. Review status: criteria provided, single submitter. Criteria: Invitae Variant Classification Sherloc (09022015). Collection method: clinical testing. Allele origin: germline.
Comment: This variant results in a copy number gain of the genomic region encompassing exon(s) 30-36 of the EYS gene. While the exact position of this variant cannot be determined from the data, sub-genic copy number gains are generally in tandem (PMID: 25640679). This variant is predicted to be out-of-frame, and may result in an absent or disrupted protein product. Loss-of-function variants in EYS are known to be pathogenic (PMID: 18836446, 20333770). This variant has not been reported in the literature in individuals with EYS-related conditions. In summary, the currently available evidence indicates that the variant is pathogenic, but additional data are needed to prove that conclusively. Therefore, this variant has been classified as Likely Pathogenic.

Literature cited by the submitters: PubMed 25640679; PubMed 18836446; PubMed 20333770.